The following is an entry in ClinVar:

NM_000500.9(CYP21A2):c.-126C>T

Genes: CYP21A2 (cytochrome P450 family 21 subfamily A member 2; plus strand), LOC106780800 (CYP21A2 recombination region; plus strand), LOC110631417 (CYP21A2 5' regulatory region; plus strand). Cytogenetic location: 6p21.33.
Variant type: single nucleotide variant.
Coding change: c.-126C>T on transcript NM_000500.9 (MANE Select); 126 bases upstream of the start codon, C replaced by T.
Genome position (GRCh38, 1-based): chr6:32,038,297, C>T. VCF-style: chr6-32038297-C-T. GRCh37 (hg19) VCF-style: chr6-32006074-C-T.
Identifiers: ClinVar variation 3383066 (VCV003383066.3).

ClinVar aggregate classification (germline): Likely pathogenic. Review status: criteria provided, multiple submitters, no conflicts (2 of 4 stars). 2 submissions from 2 submitters: Likely pathogenic (2). Last evaluated 2025-12-12.

Conditions:
21-Hydroxylase-Deficient Congenital Adrenal Hyperplasia. Also called: ADRENAL HYPERPLASIA, CONGENITAL, DUE TO 21-HYDROXYLASE DEFICIENCY; ADRENAL HYPERPLASIA III. Identifiers: MedGen C2936858, OMIM 201910.

Submissions (2):

3billion
Classification: Likely pathogenic for 21-Hydroxylase-Deficient Congenital Adrenal Hyperplasia. Last evaluated: 2025-12-12. Review status: criteria provided, single submitter. Criteria: ACMG Guidelines, 2015. Collection method: clinical testing. Allele origin: germline. Affected: yes.
Comment: The variant is observed at an extremely low frequency in the gnomAD v4.1.0 dataset (total allele frequency: 0.242%). Predicted Consequence/Location: Intron variant In silico tools predict the variant to alter splicing and produce an abnormal transcript [SpliceAI: 0.76 (>=0.2, moderate evidence for spliceogenicity)]. The variant has been reported to be in trans with a pathogenic variant as either compound heterozygous or homozygous in at least 2 similarly affected unrelated individuals (PMID: 24904866, 25630015, 26206692). The variant has been reported at least twice as pathogenic with clinical assertions and evidence for the classification (ClinVar ID: VCV000012155 /PMID: 2845408 /3billion dataset). Therefore, this variant is classified as Pathogenic according to the recommendation of ACMG/AMP guideline.

Juno Genomics, Hangzhou Juno Genomics, Inc
Classification: Likely pathogenic for 21-Hydroxylase-Deficient Congenital Adrenal Hyperplasia. Review status: criteria provided, single submitter. Criteria: ACMG Guidelines, 2015. Collection method: clinical testing. Allele origin: germline. Affected: yes.
Comment: Absent from controls (or at extremely low frequency if recessive) in Genome Aggregation Database, Exome Sequencing Project, 1000 Genomes Project, or Exome Aggregation Consortium.;For recessive disorders, detected in trans with a pathogenic variant.;Patient's phenotype or family history is highly specific for a disease with a single genetic etiology.

Literature cited by the submitters: PubMed 30968594 (cited by 3billion); PubMed 17666484 (cited by 3billion); PubMed 36866166 (cited by 3billion); PubMed 30995443 (cited by 3billion).